The following is an entry in ClinVar:

NM_176824.3(BBS7):c.2136C>T (p.Phe712=)

Gene: BBS7 (Bardet-Biedl syndrome 7; minus strand). Cytogenetic location: 4q27.
Variant type: single nucleotide variant.
Coding change: c.2136C>T on transcript NM_176824.3 (MANE Select); coding-DNA position 2136, C replaced by T.
Protein change: p.Phe712=; no amino-acid change (phenylalanine 712 retained).
Molecular consequence: synonymous variant.
Genome position (GRCh38, 1-based): chr4:121,825,872, G>A on the plus strand (C>T on the coding strand, the complement: BBS7 is on the minus strand). VCF-style: chr4-121825872-G-A. GRCh37 (hg19) VCF-style: chr4-122747027-G-A.
Other names: c.2136C>T (NM_176824.2).
Identifiers: ClinVar variation 1150031 (VCV001150031.10), dbSNP rs199782217, ClinGen allele CA3064051.
Genomic context (GRCh38, chr4:121,825,872, plus strand): 5'-TTTTCATTTAAACAGACCACTTCTTTGGGACTTTACCTTATTTGTATGTCATGCTGCATC[G>A]AAGAATGAAATCAATGCATTTTGGTCATAACTGTCCAGAATTTCCAATAGAAGGGGTACT-3'
Protein context (NP_789794.1, residues 702-715): SYDQNALISF[Phe712=]DAA

ClinVar aggregate classification (germline): Likely benign. Review status: criteria provided, multiple submitters, no conflicts (2 of 4 stars). 4 submissions from 4 submitters: Likely benign (4). Last evaluated 2026-09-25.

Conditions:
Bardet-Biedl syndrome (BBS). Identifiers: Orphanet 110, MedGen C0752166, MONDO:0015229.
Bardet-Biedl syndrome 7 (BBS7). Identifiers: Orphanet 110, MedGen C1859565, MONDO:0014435, OMIM 615984.
BBS7-related disorder. Also called: BBS7-related condition.

Allele frequency attached by ClinVar (database versions not stated): gnomAD 0.00001 and 0.00002; gnomAD exomes 0.00001; TOPMed 0.00001; ExAC 0.00002; 1000 Genomes Project 30x 0.00016; 1000 Genomes Project 0.00020.
gnomAD v4.1: 20 of 1,612,966 alleles (0.0012%); highest among the groups gnomAD compares: African/African-American, 0.0013%; no homozygotes.

Submissions (4):

PreventionGenetics, part of Exact Sciences
Classification: Likely benign for BBS7-related condition. Last evaluated: 2026-09-25. Review status: criteria provided, single submitter. Criteria: ACMG Guidelines, 2015. Collection method: clinical testing. Allele origin: germline.
Comment: This variant is classified as likely benign based on ACMG/AMP sequence variant interpretation guidelines (Richards et al. 2015 PMID: 25741868, with internal and published modifications).

Labcorp Genetics (formerly Invitae), Labcorp
Classification: Likely benign for Bardet-Biedl syndrome. Last evaluated: 2025-12-14. Review status: criteria provided, single submitter. Criteria: Invitae Variant Classification Sherloc (09022015). Collection method: clinical testing. Allele origin: germline.

Blueprint Genetics
Classification: Likely benign. Last evaluated: 2022-02-16. Review status: criteria provided, single submitter. Criteria: ACMG Guidelines, 2015. Collection method: clinical testing. Allele origin: germline.

Fulgent Genetics
Classification: Likely benign for Bardet-Biedl syndrome 7. Last evaluated: 2021-11-22. Review status: criteria provided, single submitter. Criteria: ACMG Guidelines, 2015. Collection method: clinical testing. Allele origin: unknown.